The following is an entry in ClinVar:

ClinVar aggregate classification (germline): Uncertain significance. Review status: criteria provided, multiple submitters, no conflicts (2 of 4 stars). 2 submissions from 2 submitters: Uncertain significance (2). Last evaluated 2026-04-05.

gnomAD v4.1: 7 of 1,613,898 alleles (0.00043%); highest among the groups gnomAD compares: African/African-American, 0.0053%; no homozygotes.

Submissions (2):

GeneDx
Classification: Uncertain significance. Last evaluated: 2026-04-05. Review status: criteria provided, single submitter. Criteria: GeneDx Variant Classification Process June 2021. Collection method: clinical testing. Allele origin: germline.
Comment: Not observed at significant frequency in large population cohorts (gnomAD); In silico analysis suggests that this missense variant does not alter protein structure/function; Has not been previously published as pathogenic or benign to our knowledge

CeGaT Center for Human Genetics Tuebingen
Classification: Uncertain significance. Last evaluated: 2025-03-01. Review status: criteria provided, single submitter. Criteria: CeGaT Center For Human Genetics Tuebingen Variant Classification Criteria Version 2. Collection method: clinical testing. Allele origin: germline. Affected: yes. Observed: 1 variant allele.
Comment: SPEG: PM2

NM_005876.5(SPEG):c.3367A>G (p.Ile1123Val)

Gene: SPEG (striated muscle enriched protein kinase; plus strand). Cytogenetic location: 2q35.
Variant type: single nucleotide variant.
Coding change: c.3367A>G on transcript NM_005876.5 (MANE Select); coding-DNA position 3367, A replaced by G.
Protein change: p.Ile1123Val; replaces isoleucine 1123 with valine.
Molecular consequence: missense variant.
Genome position (GRCh38, 1-based): chr2:219,468,924, A>G. VCF-style: chr2-219468924-A-G. GRCh37 (hg19) VCF-style: chr2-220333646-A-G.
Other names: c.3367A>G (NM_005876.4); short protein forms I1123V.
Identifiers: ClinVar variation 3778115 (VCV003778115.8).